The following is an entry in ClinVar:

ClinVar aggregate classification (germline): Pathogenic. Review status: criteria provided, multiple submitters, no conflicts (2 of 4 stars). 3 submissions from 3 submitters: Pathogenic (3). Last evaluated 2024-05-22.

Conditions:
Central core myopathy (CMYO1A). Also called: CONGENITAL MYOPATHY 1A, AUTOSOMAL DOMINANT, WITH SUSCEPTIBILITY TO MALIGNANT HYPERTHERMIA; Central core disease; Myopathy, central fibrillar. Identifiers: Orphanet 597, MedGen C5830701, MONDO:0007294, OMIM 117000.
RYR1-related disorder. Also called: RYR1-related disorders; RYR1-related condition. Identifiers: MedGen CN239331.

Allele frequency attached by ClinVar (database versions not stated): gnomAD 0.00001; 1000 Genomes Project 0.00020; 1000 Genomes Project 30x 0.00031.
gnomAD v4.1: 1 of 1,613,974 alleles (0.000062%); highest among the groups gnomAD compares: African/African-American, 0.0013%; no homozygotes.

Submissions (3):

Labcorp Genetics (formerly Invitae), Labcorp
Classification: Pathogenic for RYR1-related disorder. Last evaluated: 2024-05-22. Review status: criteria provided, single submitter. Criteria: Invitae Variant Classification Sherloc (09022015). Collection method: clinical testing. Allele origin: germline.
Comment: This sequence change creates a premature translational stop signal (p.Gln3485*) in the RYR1 gene. It is expected to result in an absent or disrupted protein product. Loss-of-function variants in RYR1 are known to be pathogenic (PMID: 23919265, 25960145, 28818389, 30611313). This variant is not present in population databases (gnomAD no frequency). This variant has not been reported in the literature in individuals affected with RYR1-related conditions. ClinVar contains an entry for this variant (Variation ID: 954805). Algorithms developed to predict the effect of sequence changes on RNA splicing suggest that this variant may disrupt the consensus splice site. For these reasons, this variant has been classified as Pathogenic.

Genomic Medicine Center of Excellence, King Faisal Specialist Hospital and Research Centre
Classification: Pathogenic for Central core myopathy. Last evaluated: 2024-03-26. Review status: criteria provided, single submitter. Criteria: ACMG Guidelines, 2015. Collection method: clinical testing. Allele origin: germline.

Revvity Omics, Revvity
Classification: Pathogenic. Last evaluated: 2020-07-23. Review status: criteria provided, single submitter. Criteria: ACMG Guidelines, 2015. Collection method: clinical testing. Allele origin: germline.

Literature cited by the submitters: PubMed 23919265 (cited by Labcorp Genetics (formerly Invitae), Labcorp); PubMed 25960145 (cited by Labcorp Genetics (formerly Invitae), Labcorp); PubMed 28818389 (cited by Labcorp Genetics (formerly Invitae), Labcorp); PubMed 30611313 (cited by Labcorp Genetics (formerly Invitae), Labcorp).

NM_000540.3(RYR1):c.10453C>T (p.Gln3485Ter)

Gene: RYR1 (ryanodine receptor 1; plus strand). Cytogenetic location: 19q13.2.
Variant type: single nucleotide variant.
Coding change: c.10453C>T on transcript NM_000540.3 (MANE Select); coding-DNA position 10453, C replaced by T.
Protein change: p.Gln3485Ter; replaces glutamine 3485 with a stop codon.
Molecular consequence: nonsense. On other transcripts: intron variant (1).
Genome position (GRCh38, 1-based): chr19:38,523,927, C>T. VCF-style: chr19-38523927-C-T. GRCh37 (hg19) VCF-style: chr19-39014567-C-T.
Other names: c.10440+618C>T (NM_001042723.2); short protein forms Q3485*.
Identifiers: ClinVar variation 954805 (VCV000954805.12), dbSNP rs199895006, ClinGen allele CA308134023.